The following is an entry in ClinVar:

NM_000368.5(TSC1):c.2947G>A (p.Ala983Thr)

Gene: TSC1 (TSC complex subunit 1; minus strand). Cytogenetic location: 9q34.13.
Variant type: single nucleotide variant.
Coding change: c.2947G>A on transcript NM_000368.5 (MANE Select); coding-DNA position 2947, G replaced by A.
Protein change: p.Ala983Thr; replaces alanine 983 with threonine.
Molecular consequence: missense variant.
Genome position (GRCh38, 1-based): chr9:132,897,212, C>T on the plus strand (G>A on the coding strand, the complement: TSC1 is on the minus strand). VCF-style: chr9-132897212-C-T. GRCh37 (hg19) VCF-style: chr9-135772599-C-T.
Other names: c.2944G>A, p.Ala982Thr (NM_001162426.2); c.2794G>A, p.Ala932Thr (NM_001162427.2); c.2584G>A, p.Ala862Thr (NM_001362177.2); c.2947G>A (NM_000368.4); short protein forms A862T, A982T, A932T, A983T.
Identifiers: ClinVar variation 1485294 (VCV001485294.9), dbSNP rs1845117262, ClinGen allele CA375368346.
Genomic context (GRCh38, chr9:132,897,212, plus strand): 5'-CCCAAGGTCATGAATCAGTTCTTTGTTCCTACCTTTCTTCTGCTGCTTCAGCTGCTTCTG[C>T]TTTTTCTTCTTCAAGTTTTTTCAGGAGGCCATCTTTCTCCAACCTGCCATATAAATCTAA-3'
Protein context (NP_000359.1, residues 973-993): GLLKKLEEEK[Ala983Thr]EAAEAAEERL

ClinVar aggregate classification (germline): Conflicting classifications of pathogenicity. Review status: criteria provided, conflicting classifications (1 of 4 stars). 2 submissions from 2 submitters: Uncertain significance (1); Likely benign (1). Last evaluated 2026-07-01.

Conditions:
Hereditary cancer-predisposing syndrome. Also called: Hereditary Cancer Syndrome; Tumor predisposition; Neoplastic Syndromes, Hereditary; Hereditary neoplastic syndrome. Identifiers: Orphanet 140162, MedGen C0027672, MeSH D009386, MONDO:0015356.
Tuberous sclerosis 1 (TSC1). Identifiers: Orphanet 805, MedGen C1854465, MONDO:0008612, OMIM 191100.

Allele frequency attached by ClinVar (database versions not stated): gnomAD exomes below 0.00001.
gnomAD v4.1: 1 of 1,614,166 alleles (0.000062%); highest among the groups gnomAD compares: Non-Finnish European, 0.000085%; no homozygotes.

Submissions (2):

Ambry Genetics
Classification: Likely benign for Hereditary cancer-predisposing syndrome. Last evaluated: 2026-07-01. Review status: criteria provided, single submitter. Criteria: Ambry Variant Classification Scheme 2023. Collection method: clinical testing. Allele origin: germline.

Labcorp Genetics (formerly Invitae), Labcorp
Classification: Uncertain significance for Tuberous sclerosis 1. Last evaluated: 2022-06-07. Review status: criteria provided, single submitter. Criteria: Invitae Variant Classification Sherloc (09022015). Collection method: clinical testing. Allele origin: germline.
Comment: Algorithms developed to predict the effect of missense changes on protein structure and function output the following: SIFT: "Tolerated"; PolyPhen-2: "Benign"; Align-GVGD: "Class C0". The threonine amino acid residue is found in multiple mammalian species, which suggests that this missense change does not adversely affect protein function. In summary, the available evidence is currently insufficient to determine the role of this variant in disease. Therefore, it has been classified as a Variant of Uncertain Significance. This variant is not present in population databases (gnomAD no frequency). ClinVar contains an entry for this variant (Variation ID: 1485294). This variant has not been reported in the literature in individuals affected with TSC1-related conditions. This sequence change replaces alanine, which is neutral and non-polar, with threonine, which is neutral and polar, at codon 983 of the TSC1 protein (p.Ala983Thr).